The following is an entry in ClinVar:

ClinVar aggregate classification (germline): Uncertain significance. Review status: criteria provided, multiple submitters, no conflicts (2 of 4 stars). 3 submissions from 3 submitters: Uncertain significance (3). Last evaluated 2025-12-23.

Conditions:
Cardiovascular phenotype. Identifiers: MedGen CN230736.
Legius syndrome. Identifiers: Orphanet 137605, MedGen C1969623, MONDO:0012669, OMIM 611431. Disease mechanism: loss of function.

Allele frequency attached by ClinVar (database versions not stated): TOPMed below 0.00001.

Submissions (3):

Ambry Genetics
Classification: Uncertain significance for Cardiovascular phenotype. Last evaluated: 2025-12-23. Review status: criteria provided, single submitter. Criteria: Ambry Variant Classification Scheme 2023. Collection method: clinical testing. Allele origin: germline.
Comment: The p.T300A variant (also known as c.898A>G), located in coding exon 7 of the SPRED1 gene, results from an A to G substitution at nucleotide position 898. The threonine at codon 300 is replaced by alanine, an amino acid with similar properties. This amino acid position is conserved. In addition, this alteration is predicted to be tolerated by in silico analysis. Based on the available evidence, the clinical significance of this variant remains unclear.

Labcorp Genetics (formerly Invitae), Labcorp
Classification: Uncertain significance for Legius syndrome. Last evaluated: 2023-07-14. Review status: criteria provided, single submitter. Criteria: Invitae Variant Classification Sherloc (09022015). Collection method: clinical testing. Allele origin: germline.
Comment: In summary, the available evidence is currently insufficient to determine the role of this variant in disease. Therefore, it has been classified as a Variant of Uncertain Significance. Advanced modeling of protein sequence and biophysical properties (such as structural, functional, and spatial information, amino acid conservation, physicochemical variation, residue mobility, and thermodynamic stability) performed at Invitae indicates that this missense variant is not expected to disrupt SPRED1 protein function. ClinVar contains an entry for this variant (Variation ID: 1326433). This variant has not been reported in the literature in individuals affected with SPRED1-related conditions. This variant is not present in population databases (gnomAD no frequency). This sequence change replaces threonine, which is neutral and polar, with alanine, which is neutral and non-polar, at codon 300 of the SPRED1 protein (p.Thr300Ala).

GeneDx
Classification: Uncertain significance. Last evaluated: 2021-05-28. Review status: criteria provided, single submitter. Criteria: GeneDx Variant Classification Process June 2021. Collection method: clinical testing. Allele origin: germline. Affected: yes.
Comment: Not observed at significant frequency in large population cohorts (Lek 2016); In silico analysis supports that this missense variant does not alter protein structure/function; Has not been previously published as pathogenic or benign to our knowledge; This variant is associated with the following publications: (PMID: 27535533)

NM_152594.3(SPRED1):c.898A>G (p.Thr300Ala)

Gene: SPRED1 (sprouty related EVH1 domain containing 1; plus strand). Cytogenetic location: 15q14.
Variant type: single nucleotide variant.
Coding change: c.898A>G on transcript NM_152594.3 (MANE Select); coding-DNA position 898, A replaced by G.
Protein change: p.Thr300Ala; replaces threonine 300 with alanine.
Molecular consequence: missense variant.
Genome position (GRCh38, 1-based): chr15:38,351,227, A>G. VCF-style: chr15-38351227-A-G. GRCh37 (hg19) VCF-style: chr15-38643428-A-G.
Other names: short protein forms T300A.
Identifiers: ClinVar variation 1326433 (VCV001326433.8), dbSNP rs1888477050, ClinGen allele CA391933499.